The following is an entry in ClinVar:

ClinVar aggregate classification (germline): Pathogenic (1 of 4 stars; one submission).

Conditions:
DICER1-related tumor predisposition. Also called: DICER1-related pleuropulmonary blastoma cancer predisposition syndrome; DICER1 syndrome. Identifiers: Orphanet 284343, MedGen C3839822, MONDO:0100216.

Submission:

Unidad de Genómica Garrahan, Hospital de Pediatría Garrahan
Classification: Pathogenic for DICER1-related tumor predisposition. Last evaluated: 2025-12-01. Review status: criteria provided, single submitter. Criteria: Hatton et al. (Hum Mutat. 2023). Collection method: clinical testing. Allele origin: germline. Affected: yes.
Comment: Frameshift variant predicted to result in protein truncation in a gene for which loss-of-function is a known mechanism of disease (PVS1_very strong). The variant was classified as de novo after ruling out its presence in both parents (assumed paternity) (PS2_supporting). Based on the available evidence and following the ClinGen DICER1 and miRNA-Processing Gene Expert Panel Specifications to the ACMG/AMP Variant Interpretation Guidelines for DICER1 (PMID: 38084291) this alteration is classified as pathogenic.

NM_177438.3(DICER1):c.3282dup (p.Asp1095fs)

Gene: DICER1 (dicer 1, ribonuclease III; minus strand). Cytogenetic location: 14q32.13.
Variant type: Duplication.
Coding change: c.3282dup on transcript NM_177438.3 (MANE Select); coding-DNA position 3282, one base duplicated (A; older notation c.3282dupA).
Protein change: p.Asp1095fs; shifts the reading frame from aspartic acid 1095.
Molecular consequence: frameshift variant. On other transcripts: non-coding transcript variant (4).
Genome position (GRCh38, 1-based): chr14:95,104,114, T duplicated on the plus strand (A on the coding strand, the reverse complement: DICER1 is on the minus strand). VCF-style (leftmost placement, unchanged base first): chr14-95104113-C-CT. GRCh37 (hg19) VCF-style: chr14-95570450-C-CT.
Other names: p.(Asp1095Argfs*9); c.3282dup, p.Asp1095fs (NM_001195573.1, NM_001271282.3, NM_001291628.2 and 12 more transcripts); c.3000dup, p.Asp1001fs (NM_001395686.1); c.2877dup, p.Asp960fs (NM_001395687.1, NM_001395688.1, NM_001395689.1 and 2 more transcripts); c.2715dup, p.Asp906fs (NM_001395691.1); c.1599dup, p.Asp534fs (NM_001395697.1); short protein forms D1001fs, D1095fs, D534fs, D906fs, D960fs.
Identifiers: ClinVar variation 4686634 (VCV004686634.1).